The following is an entry in ClinVar:

NM_016390.4(SPOUT1):c.189G>A (p.Ala63=)

Genes: KYAT1-SPOUT1 (KYAT1-SPOUT1 readthrough; minus strand), SPOUT1 (SPOUT domain containing methyltransferase 1; minus strand). Cytogenetic location: 9q34.11.
Variant type: single nucleotide variant.
Coding change: c.189G>A on transcript NM_016390.4 (MANE Select); coding-DNA position 189, G replaced by A.
Protein change: p.Ala63=; no amino-acid change (alanine 63 retained).
Molecular consequence: synonymous variant.
Genome position (GRCh38, 1-based): chr9:128,828,754, C>T on the plus strand (G>A on the coding strand, the complement: SPOUT1 is on the minus strand). VCF-style: chr9-128828754-C-T. GRCh37 (hg19) VCF-style: chr9-131591033-C-T.
Identifiers: ClinVar variation 771736 (VCV000771736.17), dbSNP rs151128931, ClinGen allele CA5270000.

ClinVar aggregate classification (germline): Benign/Likely benign. Review status: criteria provided, multiple submitters, no conflicts (2 of 4 stars). 3 submissions from 3 submitters: Benign (2); Likely benign (1). Last evaluated 2026-09-01.

Allele frequency attached by ClinVar (database versions not stated): 1000 Genomes Project 30x 0.00187; 1000 Genomes Project 0.00200; gnomAD 0.00398 and 0.00416; ESP Exome Variant Server 0.00400; gnomAD exomes 0.00417; ExAC 0.00433; TOPMed 0.00447.
gnomAD v4.1: 7,780 of 1,613,966 alleles (0.48%); highest among the groups gnomAD compares: Middle Eastern, 0.68%; 31 homozygotes.

Submissions (3):

CeGaT Center for Human Genetics Tuebingen
Classification: Likely benign. Last evaluated: 2026-09-01. Review status: criteria provided, single submitter. Criteria: CeGaT Center For Human Genetics Tuebingen Variant Classification Criteria Version 2. Collection method: clinical testing. Allele origin: germline. Affected: yes. Observed: 12 variant alleles.
Comment: SPOUT1: BP4, BP7, BS2

Labcorp Genetics (formerly Invitae), Labcorp
Classification: Benign. Last evaluated: 2018-04-03. Review status: criteria provided, single submitter. Criteria: Invitae Variant Classification Sherloc (09022015). Collection method: clinical testing. Allele origin: germline.

Breakthrough Genomics
Classification: Benign. Review status: criteria provided, single submitter. Criteria: ACMG Guidelines, 2015. Collection method: not provided. Allele origin: germline. Inheritance: Unknown mechanism. Affected: yes.